The following is an entry in ClinVar:

ClinVar aggregate classification (germline): Uncertain significance. Review status: criteria provided, single submitter (1 of 4 stars). 2 submissions from 2 submitters: Uncertain significance (1). 1 of the submissions does not count toward it. Last evaluated 2023-06-28.

Conditions:
KCNA1-related disorder. Also called: KCNA1-related condition; KCNA1-related disorders.
Episodic ataxia type 1 (EA1). Also called: ATAXIA, EPISODIC, WITH MYOKYMIA; MYOKYMIA WITH PERIODIC ATAXIA; PAROXYSMAL ATAXIA WITH NEUROMYOTONIA, HEREDITARY; Episodic ataxia/myokymia syndrome. Identifiers: Orphanet 37612, Orphanet 972, MedGen C1719788, MONDO:0008047, OMIM 160120.

Submissions (2):

MVZ Medizinische Genetik Mainz
Classification: Uncertain significance for Episodic ataxia type 1. Last evaluated: 2023-06-28. Review status: criteria provided, single submitter. Criteria: UK Practice Guidelines For Variant Classification V4 01 2020. Collection method: clinical testing. Allele origin: germline. Inheritance: Autosomal dominant inheritance. Affected: yes. Observed: 1 variant allele.
Comment: ACMG Criteria: PM1_SUP,PM2_SUP,PP2,PP3

PreventionGenetics, part of Exact Sciences
Classification: Uncertain significance for KCNA1-related condition. Last evaluated: 2024-07-05. Review status: no assertion criteria provided. Collection method: clinical testing. Allele origin: germline. Not counted in ClinVar's aggregate classification.
Comment: The KCNA1 c.930G>C variant is predicted to result in the amino acid substitution p.Lys310Asn. To our knowledge, this variant has not been reported in the literature or in a large population database, indicating this variant is rare. At this time, the clinical significance of this variant is uncertain due to the absence of conclusive functional and genetic evidence.

NM_000217.3(KCNA1):c.930G>C (p.Lys310Asn)

Gene: KCNA1 (potassium voltage-gated channel subfamily A member 1; plus strand). Cytogenetic location: 12p13.32.
Variant type: single nucleotide variant.
Coding change: c.930G>C on transcript NM_000217.3 (MANE Select); coding-DNA position 930, G replaced by C.
Protein change: p.Lys310Asn; replaces lysine 310 with asparagine.
Molecular consequence: missense variant.
Genome position (GRCh38, 1-based): chr12:4,912,308, G>C. VCF-style: chr12-4912308-G-C. GRCh37 (hg19) VCF-style: chr12-5021474-G-C.
Other names: c.930G>C (NM_000217.2); short protein forms K310N.
Identifiers: ClinVar variation 3236197 (VCV003236197.2), dbSNP rs1292300958, ClinGen allele CA383455653.